The following is an entry in ClinVar:

NM_003283.6(TNNT1):c.46G>A (p.Glu16Lys)

Gene: TNNT1 (troponin T1, slow skeletal type; minus strand). Cytogenetic location: 19q13.42.
Variant type: single nucleotide variant.
Coding change: c.46G>A on transcript NM_003283.6 (MANE Select); coding-DNA position 46, G replaced by A.
Protein change: p.Glu16Lys; replaces glutamic acid 16 with lysine.
Molecular consequence: missense variant.
Genome position (GRCh38, 1-based): chr19:55,147,008, C>T on the plus strand (G>A on the coding strand, the complement: TNNT1 is on the minus strand). VCF-style: chr19-55147008-C-T. GRCh37 (hg19) VCF-style: chr19-55658376-C-T.
Other names: c.46G>A, p.Glu16Lys (NM_001126132.3, NM_001126133.3, NM_001291774.2); short protein forms E16K.
Identifiers: ClinVar variation 1483566 (VCV001483566.9), dbSNP rs533504444, ClinGen allele CA9667648.

ClinVar aggregate classification (germline): Uncertain significance. Review status: criteria provided, multiple submitters, no conflicts (2 of 4 stars). 2 submissions from 2 submitters: Uncertain significance (2). Last evaluated 2024-05-20.

Conditions:
Nemaline myopathy 5 (NEM5A). Also called: NEMALINE MYOPATHY, AMISH TYPE; NEMALINE MYOPATHY 5A, AUTOSOMAL RECESSIVE, SEVERE INFANTILE; Nemaline myopathy 5, Amish type. Identifiers: Orphanet 98902, MedGen C1854380, MONDO:0011539, OMIM 605355.

Allele frequency attached by ClinVar (database versions not stated): TOPMed 0.00001.
gnomAD v4.1: 5 of 1,609,954 alleles (0.00031%); highest among the groups gnomAD compares: East Asian, 0.0089%; no homozygotes.

Submissions (2):

Labcorp Genetics (formerly Invitae), Labcorp
Classification: Uncertain significance for Nemaline myopathy 5. Last evaluated: 2024-05-20. Review status: criteria provided, single submitter. Criteria: Invitae Variant Classification Sherloc (09022015). Collection method: clinical testing. Allele origin: germline.
Comment: This sequence change replaces glutamic acid, which is acidic and polar, with lysine, which is basic and polar, at codon 16 of the TNNT1 protein (p.Glu16Lys). This variant also falls at the last nucleotide of exon 3, which is part of the consensus splice site for this exon. This variant is present in population databases (rs533504444, gnomAD 0.04%). This variant has not been reported in the literature in individuals affected with TNNT1-related conditions. ClinVar contains an entry for this variant (Variation ID: 1483566). Experimental studies and prediction algorithms are not available or were not evaluated, and the functional significance of this variant is currently unknown. Variants that disrupt the consensus splice site are a relatively common cause of aberrant splicing (PMID: 17576681, 9536098). Algorithms developed to predict the effect of sequence changes on RNA splicing suggest that this variant may disrupt the consensus splice site. In summary, the available evidence is currently insufficient to determine the role of this variant in disease. Therefore, it has been classified as a Variant of Uncertain Significance.

Revvity Omics, Revvity
Classification: Uncertain significance. Last evaluated: 2023-11-30. Review status: criteria provided, single submitter. Criteria: ACMG Guidelines, 2015. Collection method: clinical testing. Allele origin: germline.

Literature cited by the submitters: PubMed 17576681 (cited by Labcorp Genetics (formerly Invitae), Labcorp); PubMed 9536098 (cited by Labcorp Genetics (formerly Invitae), Labcorp).